The following is an entry in ClinVar:

ClinVar aggregate classification (germline): Uncertain significance. Review status: criteria provided, multiple submitters, no conflicts (2 of 4 stars). 2 submissions from 2 submitters: Uncertain significance (2). Last evaluated 2025-07-28.

Conditions:
Familial adenomatous polyposis 1 (FAP1). Also called: FAMILIAL ADENOMATOUS POLYPOSIS 1, ATTENUATED; POLYPOSIS, ADENOMATOUS INTESTINAL. Identifiers: MedGen C2713442, MONDO:0021056, OMIM 175100. Disease mechanism: loss of function.
Hereditary cancer-predisposing syndrome. Also called: Hereditary Cancer Syndrome; Hereditary neoplastic syndrome; Tumor predisposition; Neoplastic Syndromes, Hereditary. Identifiers: Orphanet 140162, MedGen C0027672, MeSH D009386, MONDO:0015356.

gnomAD v4.1: 1 of 1,611,452 alleles (0.000062%); highest among the groups gnomAD compares: Non-Finnish European, 0.000085%; no homozygotes.

Submissions (2):

Ambry Genetics
Classification: Uncertain significance for Hereditary cancer-predisposing syndrome. Last evaluated: 2025-07-28. Review status: criteria provided, single submitter. Criteria: Ambry Variant Classification Scheme 2023. Collection method: clinical testing. Allele origin: germline.
Comment: The p.F1805L variant (also known as c.5415C>G), located in coding exon 15 of the APC gene, results from a C to G substitution at nucleotide position 5415. The phenylalanine at codon 1805 is replaced by leucine, an amino acid with highly similar properties. This amino acid position is not well conserved in available vertebrate species. In addition, in silico predictors for this gene do not accurately predict pathogenicity. Missense alterations in APC are not a common cause of disease (Spier I et al. Genet Med. 2024 Feb;26(2):100992). Based on the available evidence, the clinical significance of this variant remains unclear.

Labcorp Genetics (formerly Invitae), Labcorp
Classification: Uncertain significance for Familial adenomatous polyposis 1. Last evaluated: 2021-01-01. Review status: criteria provided, single submitter. Criteria: Invitae Variant Classification Sherloc (09022015). Collection method: clinical testing. Allele origin: germline.
Comment: In summary, the available evidence is currently insufficient to determine the role of this variant in disease. Therefore, it has been classified as a Variant of Uncertain Significance. Algorithms developed to predict the effect of missense changes on protein structure and function (SIFT, PolyPhen-2, Align-GVGD) all suggest that this variant is likely to be tolerated, but these predictions have not been confirmed by published functional studies and their clinical significance is uncertain. This variant has not been reported in the literature in individuals with APC-related conditions. This variant is not present in population databases (ExAC no frequency). This sequence change replaces phenylalanine with leucine at codon 1805 of the APC protein (p.Phe1805Leu). The phenylalanine residue is moderately conserved and there is a small physicochemical difference between phenylalanine and leucine.

NM_000038.6(APC):c.5415C>G (p.Phe1805Leu)

Gene: APC (APC regulator of Wnt signaling pathway; plus strand). Cytogenetic location: 5q22.2.
Variant type: single nucleotide variant.
Coding change: c.5415C>G on transcript NM_000038.6 (MANE Select); coding-DNA position 5415, C replaced by G.
Protein change: p.Phe1805Leu; replaces phenylalanine 1805 with leucine.
Molecular consequence: missense variant.
Genome position (GRCh38, 1-based): chr5:112,841,009, C>G. VCF-style: chr5-112841009-C-G. GRCh37 (hg19) VCF-style: chr5-112176706-C-G.
Other names: c.5415C>G (NM_000038.5); c.5415C>G, p.Phe1805Leu (NM_001127510.3, NM_001354895.2); c.5361C>G, p.Phe1787Leu (NM_001127511.3); c.5469C>G, p.Phe1823Leu (NM_001354896.2); c.5445C>G, p.Phe1815Leu (NM_001354897.2); c.5340C>G, p.Phe1780Leu (NM_001354898.2); c.5331C>G, p.Phe1777Leu (NM_001354899.2); c.5292C>G, p.Phe1764Leu (NM_001354900.2); and 6 more; short protein forms F1746L, F1764L, F1522L, F1645L, F1704L, F1805L, F1714L, F1780L.
Identifiers: ClinVar variation 1401569 (VCV001401569.9), dbSNP rs2149939535, ClinGen allele CA16033169.